The following is an entry in ClinVar:

NM_000059.4(BRCA2):c.1899_1900insTT (p.Ala634fs)

Gene: BRCA2 (BRCA2 DNA repair associated; plus strand). Cytogenetic location: 13q13.1.
Variant type: Insertion.
Coding change: c.1899_1900insTT on transcript NM_000059.4 (MANE Select); coding-DNA positions 1899 to 1900, TT inserted.
Protein change: p.Ala634fs; shifts the reading frame from alanine 634.
Molecular consequence: frameshift variant.
Genome position: GRCh38 VCF-style: chr13-32333376-A-ATT. GRCh37 (hg19) VCF-style: chr13-32907513-A-ATT.
Other names: short protein forms A634fs.
Identifiers: ClinVar variation 51222 (VCV000051222.8), dbSNP rs397507613, ClinGen allele CA013763.
Genomic context (GRCh38, chr13:32,333,376, plus strand): 5'-TAATTAACTGTTCAGCCCAGTTTGAAGCAAATGCTTTTGAAGCACCACTTACATTTGCAA[A>ATT]TGCTGATTCAGGTACCTCTGTCTTTTTTTTTTTGTAAATAGTACATATAGTTTTATAGAT-3'

ClinVar aggregate classification (germline): Pathogenic. Review status: reviewed by expert panel (3 of 4 stars). 6 submissions from 6 submitters: Pathogenic (1). 5 of the submissions do not count toward it. Last evaluated 2016-09-08.

Conditions:
Breast-ovarian cancer, familial, susceptibility to, 2 (BROVCA2). Also called: BRCA2 Hereditary Breast and Ovarian Cancer. Identifiers: Orphanet 145, MedGen C2675520, MONDO:0012933, OMIM 612555. Disease mechanism: loss of function.

Submissions (6):

Evidence-based Network for the Interpretation of Germline Mutant Alleles (ENIGMA)
Classification: Pathogenic for Breast-ovarian cancer, familial, susceptibility to, 2. Last evaluated: 2016-09-08. Review status: reviewed by expert panel. Criteria: ENIGMA BRCA1/2 Classification Criteria (2015). Collection method: curation. Allele origin: germline.
Comment: Variant allele predicted to encode a truncated non-functional protein.

Genome Diagnostics Laboratory, University Medical Center Utrecht
Classification: Pathogenic for Breast-ovarian cancer, familial, susceptibility to, 2. Last evaluated: 2017-07-31. Review status: criteria provided, single submitter. Criteria: ACGS Guidelines, 2013. Collection method: clinical testing. Allele origin: germline. Affected: yes. Study: VKGL Data-share Consensus. Not counted in ClinVar's aggregate classification.

Consortium of Investigators of Modifiers of BRCA1/2 (CIMBA), c/o University of Cambridge
Classification: Pathogenic for Breast-ovarian cancer, familial, susceptibility to, 2. Last evaluated: 2015-10-02. Review status: criteria provided, single submitter. Criteria: CIMBA Mutation Classification guidelines May 2016. Collection method: clinical testing. Allele origin: germline. Not counted in ClinVar's aggregate classification.

Clinical Genetics DNA and cytogenetics Diagnostics Lab, Erasmus MC, Erasmus Medical Center
Classification: Pathogenic for Breast-ovarian cancer, familial, susceptibility to, 2. Last evaluated: 2015-09-21. Review status: criteria provided, single submitter. Criteria: ACGS Guidelines, 2013. Collection method: clinical testing. Allele origin: germline. Affected: yes. Study: VKGL Data-share Consensus. Not counted in ClinVar's aggregate classification.

Diagnostic Laboratory, Department of Genetics, University Medical Center Groningen
Classification: Pathogenic for Breast-ovarian cancer, familial, susceptibility to, 2. Review status: no assertion criteria provided. Collection method: clinical testing. Allele origin: germline. Affected: yes. Study: VKGL Data-share Consensus. Not counted in ClinVar's aggregate classification.

Joint Genome Diagnostic Labs from Nijmegen and Maastricht, Radboudumc and MUMC+
Classification: Pathogenic. Review status: no assertion criteria provided. Collection method: clinical testing. Allele origin: germline. Affected: yes. Study: VKGL Data-share Consensus. Not counted in ClinVar's aggregate classification.